The following is an entry in ClinVar:

NM_003441.4(ZNF141):c.980C>G (p.Thr327Ser)

Gene: ZNF141 (zinc finger protein 141; plus strand). Cytogenetic location: 4p16.3.
Variant type: single nucleotide variant.
Coding change: c.980C>G on transcript NM_003441.4 (MANE Select); coding-DNA position 980, C replaced by G.
Protein change: p.Thr327Ser; replaces threonine 327 with serine.
Molecular consequence: missense variant. On other transcripts: intron variant (1).
Genome position (GRCh38, 1-based): chr4:373,417, C>G. VCF-style: chr4-373417-C-G. GRCh37 (hg19) VCF-style: chr4-367206-C-G.
Other names: c.752C>G, p.Thr251Ser (NM_001348277.2); c.570+410C>G (NM_001348278.2); short protein forms T327S, T251S.
Identifiers: ClinVar variation 403623 (VCV000403623.6), dbSNP rs113884485, ClinGen allele CA2791813.
Genomic context (GRCh38, chr4:373,417, plus strand): 5'-GAGAGAAACCCTACAAATGTGAAGAATGTGGCAAAGCCTTTAATAGGTCCACAACCCTTA[C>G]TAAACATAAGAGAATTCATACTGGAGAGAAACCCTACACATGTGAAGAATGTGGCAAAGC-3'
Protein context (NP_003432.1, residues 317-337): GKAFNRSTTL[Thr327Ser]KHKRIHTGEK

ClinVar aggregate classification (germline): Benign/Likely benign. Review status: criteria provided, multiple submitters, no conflicts (2 of 4 stars). 3 submissions from 3 submitters: Benign (2); Likely benign (1). Last evaluated 2024-11-19.

Allele frequency attached by ClinVar (database versions not stated): ExAC 0.10972.

Submissions (3):

Blueprint Genetics
Classification: Likely benign. Last evaluated: 2024-11-19. Review status: criteria provided, single submitter. Criteria: ACMG Guidelines, 2015. Collection method: clinical testing. Allele origin: germline.

Laboratory for Molecular Medicine, Mass General Brigham Personalized Medicine
Classification: Benign. Last evaluated: 2016-03-28. Review status: criteria provided, single submitter. Criteria: LMM Criteria. Collection method: clinical testing. Allele origin: germline.
Comment: Variant identified in a genome or exome case(s) and assessed due to predicted null impact of the variant or pathogenic assertions in the literature or databases. Disclaimer: This variant has not undergone full assessment. The following are preliminary notes: Frequency

Breakthrough Genomics
Classification: Benign. Review status: criteria provided, single submitter. Criteria: ACMG Guidelines, 2015. Collection method: not provided. Allele origin: germline. Inheritance: Autosomal recessive inheritance. Affected: yes.